The following is an entry in ClinVar:

ClinVar aggregate classification (germline): Likely benign (0 of 4 stars; one submission).

Conditions:
SETD1B-related disorder. Also called: SETD1B-related condition.

Allele frequency attached by ClinVar (database versions not stated): gnomAD 0.00009; gnomAD exomes 0.00009; ExAC 0.00015; TOPMed 0.00018; 1000 Genomes Project 30x 0.00062; 1000 Genomes Project 0.00080.
gnomAD v4.1: 146 of 1,535,728 alleles (0.0095%); highest among the groups gnomAD compares: East Asian, 0.22%; no homozygotes.

Submission:

PreventionGenetics, part of Exact Sciences
Classification: Likely benign for SETD1B-related condition. Last evaluated: 2019-08-09. Review status: no assertion criteria provided. Collection method: clinical testing. Allele origin: germline.
Comment: This variant is classified as likely benign based on ACMG/AMP sequence variant interpretation guidelines (Richards et al. 2015 PMID: 25741868, with internal and published modifications).

NM_001353345.2(SETD1B):c.3021T>C (p.Cys1007=)

Gene: SETD1B (SET domain containing 1B, histone lysine methyltransferase; plus strand). Cytogenetic location: 12q24.31.
Variant type: single nucleotide variant.
Coding change: c.3021T>C on transcript NM_001353345.2 (MANE Select); coding-DNA position 3021, T replaced by C.
Protein change: p.Cys1007=; no amino-acid change (cysteine 1007 retained).
Molecular consequence: synonymous variant.
Genome position (GRCh38, 1-based): chr12:121,817,413, T>C. VCF-style: chr12-121817413-T-C. GRCh37 (hg19) VCF-style: chr12-122255319-T-C.
Other names: NM_015048.1:c.3021T>C.
Identifiers: ClinVar variation 3035467 (VCV003035467.2), dbSNP rs555754128, ClinGen allele CA6839003.